The following is an entry in ClinVar:

ClinVar aggregate classification (germline): Uncertain significance (1 of 4 stars; one submission).

Conditions:
Hereditary spastic paraplegia 73. Also called: Spastic paraplegia 73, autosomal dominant. Identifiers: Orphanet 444099, MedGen C5568981, MONDO:0014568, OMIM 616282.

Allele frequency attached by ClinVar (database versions not stated): ExAC 0.00005; 1000 Genomes Project 0.00020; 1000 Genomes Project 30x 0.00031.

Submission:

Labcorp Genetics (formerly Invitae), Labcorp
Classification: Uncertain significance for Hereditary spastic paraplegia 73. Last evaluated: 2023-07-31. Review status: criteria provided, single submitter. Criteria: Invitae Variant Classification Sherloc (09022015). Collection method: clinical testing. Allele origin: germline.
Comment: In summary, the available evidence is currently insufficient to determine the role of this variant in disease. Therefore, it has been classified as a Variant of Uncertain Significance. This sequence change replaces arginine, which is basic and polar, with cysteine, which is neutral and slightly polar, at codon 260 of the CPT1C protein (p.Arg260Cys). This variant is present in population databases (rs201458521, gnomAD 0.03%). This variant has not been reported in the literature in individuals affected with CPT1C-related conditions. Advanced modeling of protein sequence and biophysical properties (such as structural, functional, and spatial information, amino acid conservation, physicochemical variation, residue mobility, and thermodynamic stability) performed at Invitae indicates that this missense variant is expected to disrupt CPT1C protein function.

NM_001199753.2(CPT1C):c.811C>T (p.Arg271Cys)

Gene: CPT1C (carnitine palmitoyltransferase 1C; plus strand). Cytogenetic location: 19q13.33.
Variant type: single nucleotide variant.
Coding change: c.811C>T on transcript NM_001199753.2 (MANE Select); coding-DNA position 811, C replaced by T.
Protein change: p.Arg271Cys; replaces arginine 271 with cysteine.
Molecular consequence: missense variant. On other transcripts: non-coding transcript variant (1).
Genome position (GRCh38, 1-based): chr19:49,705,046, C>T. VCF-style: chr19-49705046-C-T. GRCh37 (hg19) VCF-style: chr19-50208303-C-T.
Other names: c.778C>T, p.Arg260Cys (NM_001136052.3, NM_001378482.1, NM_001378485.1 and 1 more transcripts); c.811C>T, p.Arg271Cys (NM_001199752.3, NM_001378483.1, NM_001378484.1 and 3 more transcripts); short protein forms R260C, R271C.
Identifiers: ClinVar variation 2704307 (VCV002704307.3), dbSNP rs201458521, ClinGen allele CA9581965.
Genomic context (GRCh38, chr19:49,705,046, plus strand): 5'-ATCCCCTCTCCTGGTCCCCAGGACTTCCTGTATGTCACACCCACGCCTCTGCAGGCAGCT[C>T]GCGCTGGGAATGCCGTCCATGCCCTCCTCCTGTACCGCCACCGCCTGAACCGCCAGGAGA-3'
Protein context (NP_001186682.1, residues 261-281): YVTPTPLQAA[Arg271Cys]AGNAVHALLL